The following is an entry in ClinVar:

ClinVar aggregate classification (germline): Uncertain significance (1 of 4 stars; one submission).

Conditions:
3-methylglutaconic aciduria, type VIIB (MGCA7B). Also called: CLPB Deficiency; 3-methylglutaconic aciduria with cataracts, neurologic involvement and neutropenia; 3-methylglutaconic aciduria, type VII, with cataracts, neurologic involvement and neutropenia. Identifiers: Orphanet 445038, MedGen C5676893, MONDO:0014561, OMIM 616271.

Allele frequency attached by ClinVar (database versions not stated): gnomAD exomes below 0.00001.
gnomAD v4.1: 3 of 1,611,444 alleles (0.00019%); highest among the groups gnomAD compares: Non-Finnish European, 0.00025%; no homozygotes.

Submission:

Labcorp Genetics (formerly Invitae), Labcorp
Classification: Uncertain significance for 3-methylglutaconic aciduria, type VIIB. Last evaluated: 2023-01-23. Review status: criteria provided, single submitter. Criteria: Invitae Variant Classification Sherloc (09022015). Collection method: clinical testing. Allele origin: germline.
Comment: In summary, the available evidence is currently insufficient to determine the role of this variant in disease. Therefore, it has been classified as a Variant of Uncertain Significance. Algorithms developed to predict the effect of missense changes on protein structure and function are either unavailable or do not agree on the potential impact of this missense change (SIFT: "Deleterious"; PolyPhen-2: "Benign"; Align-GVGD: "Class C0"). This variant has not been reported in the literature in individuals affected with CLPB-related conditions. This variant is not present in population databases (gnomAD no frequency). This sequence change replaces tyrosine, which is neutral and polar, with cysteine, which is neutral and slightly polar, at codon 127 of the CLPB protein (p.Tyr127Cys).

NM_001258392.3(CLPB):c.380A>G (p.Tyr127Cys)

Gene: CLPB (ClpB family mitochondrial disaggregase; minus strand). Cytogenetic location: 11q13.4.
Variant type: single nucleotide variant.
Coding change: c.380A>G on transcript NM_001258392.3 (MANE Select); coding-DNA position 380, A replaced by G.
Protein change: p.Tyr127Cys; replaces tyrosine 127 with cysteine.
Molecular consequence: missense variant. On other transcripts: synonymous variant (1).
Genome position (GRCh38, 1-based): chr11:72,434,095, T>C on the plus strand (A>G on the coding strand, the complement: CLPB is on the minus strand). VCF-style: chr11-72434095-T-C. GRCh37 (hg19) VCF-style: chr11-72145139-T-C.
Other names: c.380A>G, p.Tyr127Cys (NM_001258393.3, NM_030813.6); c.138A>G, p.Leu46= (NM_001258394.3); short protein forms Y127C.
Identifiers: ClinVar variation 2817956 (VCV002817956.3), dbSNP rs2496011431, ClinGen allele CA381962811.